The following is an entry in ClinVar:

NM_002354.3(EPCAM):c.859-7C>T

Gene: EPCAM (epithelial cell adhesion molecule; plus strand). Cytogenetic location: 2p21.
Variant type: single nucleotide variant.
Coding change: c.859-7C>T on transcript NM_002354.3 (MANE Select); 7 bases into the intron before coding-DNA position 859, C replaced by T.
Molecular consequence: intron variant.
Genome position (GRCh38, 1-based): chr2:47,385,159, C>T. VCF-style: chr2-47385159-C-T. GRCh37 (hg19) VCF-style: chr2-47612298-C-T.
Identifiers: ClinVar variation 258644 (VCV000258644.24), dbSNP rs72882786, ClinGen allele CA1649194.

ClinVar aggregate classification (germline): Benign. Review status: criteria provided, multiple submitters, no conflicts (2 of 4 stars). 10 submissions from 10 submitters: Benign (6). 4 of the submissions do not count toward it. Last evaluated 2026-01-05.

Conditions:
Hereditary cancer-predisposing syndrome. Also called: Neoplastic Syndromes, Hereditary; Hereditary Cancer Syndrome; Tumor predisposition; Hereditary neoplastic syndrome. Identifiers: Orphanet 140162, MedGen C0027672, MeSH D009386, MONDO:0015356.
Lynch syndrome 8 (LYNCH8). Also called: Colorectal cancer, hereditary nonpolyposis, type 8. Identifiers: Orphanet 144, MedGen C2750471, MONDO:0013196, OMIM 613244.

Allele frequency attached by ClinVar (database versions not stated): 1000 Genomes Project 30x 0.02202; TOPMed 0.02356; ExAC 0.00679; ESP Exome Variant Server 0.02299; gnomAD 0.02124 and 0.02290; gnomAD exomes 0.00547 and 0.00203; 1000 Genomes Project 0.02097.
gnomAD v4.1: 6,285 of 1,609,448 alleles (0.39%); highest among the groups gnomAD compares: African/African-American, 7.6%; 243 homozygotes.

Submissions (10):

Labcorp Genetics (formerly Invitae), Labcorp
Classification: Benign. Last evaluated: 2026-01-05. Review status: criteria provided, single submitter. Criteria: Invitae Variant Classification Sherloc (09022015). Collection method: clinical testing. Allele origin: germline.

Dasa
Classification: Benign. Last evaluated: 2025-11-05. Review status: criteria provided, single submitter. Criteria: DASA Assertion Criteria. Collection method: clinical testing. Allele origin: germline.
Comment: NM_002354.3(EPCAM):c.859-7C>T is a splice-region variant. Population frequency is inconsistent with a disease-causing role for this variant, and observations in unaffected individuals support a benign interpretation. Computational prediction algorithms are consistent with a benign effect. Therefore, based on the currently available evidence, this variant is classified as benign.

Center for Genomic Medicine, Rigshospitalet, Copenhagen University Hospital
Classification: Benign. Last evaluated: 2025-03-04. Review status: criteria provided, single submitter. Criteria: ACMG Guidelines, 2015. Collection method: clinical testing. Allele origin: germline.

KCCC/NGS Laboratory, Kuwait Cancer Control Center
Classification: Benign for Lynch syndrome 8. Last evaluated: 2023-07-07. Review status: criteria provided, single submitter. Criteria: ACMG Guidelines, 2015. Collection method: clinical testing. Allele origin: germline. Affected: yes.

GeneDx
Classification: Benign. Last evaluated: 2015-03-03. Review status: criteria provided, single submitter. Criteria: GeneDx Variant Classification Process June 2021. Collection method: clinical testing. Allele origin: germline. Affected: yes.

PreventionGenetics, part of Exact Sciences
Classification: Benign. Review status: criteria provided, single submitter. Criteria: ACMG Guidelines, 2015. Collection method: clinical testing. Allele origin: germline.

True Health Diagnostics
Classification: Likely benign for Hereditary cancer-predisposing syndrome. Last evaluated: 2018-01-03. Review status: no assertion criteria provided. Collection method: clinical testing. Allele origin: germline. Not counted in ClinVar's aggregate classification.

Counsyl
Classification: Benign for Lynch syndrome 8. Last evaluated: 2017-09-01. Review status: no assertion criteria provided. Collection method: clinical testing. Allele origin: unknown. Not counted in ClinVar's aggregate classification.

Clinical Genetics, Academic Medical Center
Classification: Likely benign. Review status: no assertion criteria provided. Collection method: clinical testing. Allele origin: germline. Affected: yes. Study: VKGL Data-share Consensus. Not counted in ClinVar's aggregate classification.

Genome Diagnostics Laboratory, Amsterdam University Medical Center
Classification: Benign. Review status: no assertion criteria provided. Collection method: clinical testing. Allele origin: germline. Affected: yes. Study: VKGL Data-share Consensus. Not counted in ClinVar's aggregate classification.